The following is an entry in ClinVar:

NM_004415.4(DSP):c.7732A>G (p.Ser2578Gly)

Gene: DSP (desmoplakin; plus strand). Cytogenetic location: 6p24.3.
Variant type: single nucleotide variant.
Coding change: c.7732A>G on transcript NM_004415.4 (MANE Select); coding-DNA position 7732, A replaced by G.
Protein change: p.Ser2578Gly; replaces serine 2578 with glycine.
Molecular consequence: missense variant.
Genome position (GRCh38, 1-based): chr6:7,584,994, A>G. VCF-style: chr6-7584994-A-G. GRCh37 (hg19) VCF-style: chr6-7585227-A-G.
Other names: c.5935A>G, p.Ser1979Gly (NM_001008844.3); c.6403A>G, p.Ser2135Gly (NM_001319034.2); short protein forms S1979G, S2135G, S2578G.
Identifiers: ClinVar variation 3386723 (VCV003386723.1).

ClinVar aggregate classification (germline): Uncertain significance (1 of 4 stars; one submission).

Conditions:
Arrhythmogenic cardiomyopathy with wooly hair and keratoderma. Also called: Carvajal syndrome; PALMOPLANTAR KERATODERMA WITH LEFT VENTRICULAR CARDIOMYOPATHY AND WOOLLY HAIR; Dilated cardiomyopathy with woolly hair and keratoderma; Arrhythmogenic cardiomyopathy with woolly hair and keratoderma. Identifiers: Orphanet 65282, MedGen C1854063, MONDO:0011581, OMIM 605676.

gnomAD v4.1: 1 of 1,614,226 alleles (0.000062%); highest among the groups gnomAD compares: South Asian, 0.0011%; no homozygotes.

Submission:

All of Us Research Program, National Institutes of Health
Classification: Uncertain significance for Arrhythmogenic cardiomyopathy with wooly hair and keratoderma. Last evaluated: 2024-08-06. Review status: criteria provided, single submitter. Criteria: ACMG Guidelines, 2015. Collection method: clinical testing. Allele origin: germline. Inheritance: Autosomal dominant inheritance. Observed: 1 variant allele, 1 heterozygote.
Comment: This study involves interpretation of variants in research participants for the purpose of population health screening. Participant phenotype was not available at the time of variant classification. Additional details can be found in publication PMID: 35346344, PMCID: PMC8962531